The following is an entry in ClinVar:

NM_018129.4(PNPO):c.110T>C (p.Met37Thr)

Gene: PNPO (pyridoxamine 5'-phosphate oxidase; plus strand). Cytogenetic location: 17q21.32.
Variant type: single nucleotide variant.
Coding change: c.110T>C on transcript NM_018129.4 (MANE Select); coding-DNA position 110, T replaced by C.
Protein change: p.Met37Thr; replaces methionine 37 with threonine.
Molecular consequence: missense variant.
Genome position (GRCh38, 1-based): chr17:47,941,785, T>C. VCF-style: chr17-47941785-T-C. GRCh37 (hg19) VCF-style: chr17-46019151-T-C.
Other names: c.110T>C (NM_018129.3); short protein forms M37T.
Identifiers: ClinVar variation 1022380 (VCV001022380.9), dbSNP rs2035939209, ClinGen allele CA400055104.

ClinVar aggregate classification (germline): Uncertain significance. Review status: criteria provided, multiple submitters, no conflicts (2 of 4 stars). 2 submissions from 2 submitters: Uncertain significance (2). Last evaluated 2025-09-04.

Conditions:
Inborn genetic diseases. Identifiers: MedGen C0950123, MeSH D030342.
Pyridoxal phosphate-responsive seizures (PNPOD). Also called: Pyridoxamine 5-Prime-Phosphate Oxidase Deficiency; Pyridoxine-5'-phosphate oxidase deficiency; Pyridoxal 5'-Phosphate (PLP)-Dependent Epilepsy; EPILEPTIC ENCEPHALOPATHY, NEONATAL, PNPO-RELATED; SEIZURES, PYRIDOXINE-RESISTANT, PLP-SENSITIVE. Identifiers: Orphanet 79096, MedGen C1864723, MONDO:0012407, OMIM 610090. Disease mechanism: loss of function.

gnomAD v4.1: 3 of 1,569,986 alleles (0.00019%); highest among the groups gnomAD compares: East Asian, 0.0024%; no homozygotes.

Submissions (2):

Ambry Genetics
Classification: Uncertain significance for Inborn genetic diseases. Last evaluated: 2025-09-04. Review status: criteria provided, single submitter. Criteria: Ambry Variant Classification Scheme 2023. Collection method: clinical testing. Allele origin: germline.

Labcorp Genetics (formerly Invitae), Labcorp
Classification: Uncertain significance for Pyridoxal phosphate-responsive seizures. Last evaluated: 2024-03-11. Review status: criteria provided, single submitter. Criteria: Invitae Variant Classification Sherloc (09022015). Collection method: clinical testing. Allele origin: germline.
Comment: This sequence change replaces methionine, which is neutral and non-polar, with threonine, which is neutral and polar, at codon 37 of the PNPO protein (p.Met37Thr). This variant is not present in population databases (gnomAD no frequency). This variant has not been reported in the literature in individuals affected with PNPO-related conditions. ClinVar contains an entry for this variant (Variation ID: 1022380). An algorithm developed to predict the effect of missense changes on protein structure and function (PolyPhen-2) suggests that this variant is likely to be disruptive. In summary, the available evidence is currently insufficient to determine the role of this variant in disease. Therefore, it has been classified as a Variant of Uncertain Significance.